The following is an entry in ClinVar:

ClinVar aggregate classification (germline): Uncertain significance. Review status: criteria provided, multiple submitters, no conflicts (2 of 4 stars). 2 submissions from 2 submitters: Uncertain significance (2). Last evaluated 2025-01-17.

Conditions:
Inborn genetic diseases. Identifiers: MedGen C0950123, MeSH D030342.

Allele frequency attached by ClinVar (database versions not stated): gnomAD exomes below 0.00001 and 0.00002; ExAC 0.00001; gnomAD 0.00006; TOPMed 0.00009; ESP Exome Variant Server 0.00024.
gnomAD v4.1: 16 of 1,613,978 alleles (0.00099%); highest among the groups gnomAD compares: African/African-American, 0.02%; no homozygotes.

Submissions (2):

Ambry Genetics
Classification: Uncertain significance for Inborn genetic diseases. Last evaluated: 2025-01-17. Review status: criteria provided, single submitter. Criteria: Ambry Variant Classification Scheme 2023. Collection method: clinical testing. Allele origin: germline.

Labcorp Genetics (formerly Invitae), Labcorp
Classification: Uncertain significance. Last evaluated: 2024-01-02. Review status: criteria provided, single submitter. Criteria: Invitae Variant Classification Sherloc (09022015). Collection method: clinical testing. Allele origin: germline.
Comment: This sequence change replaces glycine, which is neutral and non-polar, with aspartic acid, which is acidic and polar, at codon 1531 of the MYO5B protein (p.Gly1531Asp). This variant is present in population databases (rs371865430, gnomAD 0.03%). This variant has not been reported in the literature in individuals affected with MYO5B-related conditions. ClinVar contains an entry for this variant (Variation ID: 1005352). Advanced modeling of protein sequence and biophysical properties (such as structural, functional, and spatial information, amino acid conservation, physicochemical variation, residue mobility, and thermodynamic stability) performed at Invitae indicates that this missense variant is not expected to disrupt MYO5B protein function with a negative predictive value of 80%. In summary, the available evidence is currently insufficient to determine the role of this variant in disease. Therefore, it has been classified as a Variant of Uncertain Significance.

NM_001080467.3(MYO5B):c.4592G>A (p.Gly1531Asp)

Genes: MYO5B (myosin VB; minus strand), SNHG22 (small nucleolar RNA host gene 22; plus strand). Cytogenetic location: 18q21.1.
Variant type: single nucleotide variant.
Coding change: c.4592G>A on transcript NM_001080467.3 (MANE Select); coding-DNA position 4592, G replaced by A.
Protein change: p.Gly1531Asp; replaces glycine 1531 with aspartic acid.
Molecular consequence: missense variant.
Genome position (GRCh38, 1-based): chr18:49,843,260, C>T on the plus strand (G>A on the coding strand, the complement: MYO5B is on the minus strand). VCF-style: chr18-49843260-C-T. GRCh37 (hg19) VCF-style: chr18-47369630-C-T.
Other names: c.4592G>A (NM_001080467.2); short protein forms G1531D.
Identifiers: ClinVar variation 1005352 (VCV001005352.5), dbSNP rs371865430, ClinGen allele CA8960300.
Genomic context (GRCh38, chr18:49,843,260, plus strand): 5'-CTACCCACCACAAACCATGACCTTCTGCAGGGGCTGCTTACTTTCAGGACTTTCTTAATG[C>T]CGTTGATGGTGGAGGTCAGCAGGGAGTGCACCTTGAGATCGTCGTTGGTGTAGTCCGCGT-3'
Protein context (NP_001073936.1, residues 1521-1541): VHSLLTSTIN[Gly1531Asp]IKKVLKKHND